The following is an entry in ClinVar:

ClinVar aggregate classification (germline): Uncertain significance (1 of 4 stars; one submission).

Allele frequency attached by ClinVar (database versions not stated): TOPMed 0.00001; ExAC 0.00002; gnomAD 0.00002; gnomAD exomes 0.00002 and 0.00003; 1000 Genomes Project 30x 0.00047; 1000 Genomes Project 0.00060.
gnomAD v4.1: 27 of 1,613,968 alleles (0.0017%); highest among the groups gnomAD compares: East Asian, 0.0067%; no homozygotes.

Submission:

Labcorp Genetics (formerly Invitae), Labcorp
Classification: Uncertain significance. Last evaluated: 2021-05-26. Review status: criteria provided, single submitter. Criteria: Invitae Variant Classification Sherloc (09022015). Collection method: clinical testing. Allele origin: germline.
Comment: This sequence change replaces proline with leucine at codon 231 of the CLIC5 protein (p.Pro231Leu). The proline residue is highly conserved and there is a moderate physicochemical difference between proline and leucine. This variant is present in population databases (rs147816908, ExAC 0.006%). This variant has not been reported in the literature in individuals with CLIC5-related conditions. Algorithms developed to predict the effect of missense changes on protein structure and function (SIFT, PolyPhen-2, Align-GVGD) all suggest that this variant is likely to be disruptive, but these predictions have not been confirmed by published functional studies and their clinical significance is uncertain. In summary, the available evidence is currently insufficient to determine the role of this variant in disease. Therefore, it has been classified as a Variant of Uncertain Significance.

NM_016929.5(CLIC5):c.215C>T (p.Pro72Leu)

Gene: CLIC5 (chloride intracellular channel 5; minus strand). Cytogenetic location: 6p21.1.
Variant type: single nucleotide variant.
Coding change: c.215C>T on transcript NM_016929.5 (MANE Select); coding-DNA position 215, C replaced by T.
Protein change: p.Pro72Leu; replaces proline 72 with leucine.
Molecular consequence: missense variant.
Genome position (GRCh38, 1-based): chr6:45,949,340, G>A on the plus strand (C>T on the coding strand, the complement: CLIC5 is on the minus strand). VCF-style: chr6-45949340-G-A. GRCh37 (hg19) VCF-style: chr6-45917077-G-A.
Other names: c.692C>T, p.Pro231Leu (NM_001114086.2, NM_001370650.1); c.215C>T, p.Pro72Leu (NM_001256023.2); c.98C>T, p.Pro33Leu (NM_001370649.1); short protein forms P33L, P231L, P72L.
Identifiers: ClinVar variation 1382493 (VCV001382493.8), dbSNP rs147816908, ClinGen allele CA3836869.